The following is an entry in ClinVar:

ClinVar aggregate classification (germline): Pathogenic (1 of 4 stars; one submission).

Conditions:
Inborn genetic diseases. Identifiers: MedGen C0950123, MeSH D030342.

Submission:

Ambry Genetics
Classification: Pathogenic for Inborn genetic diseases. Last evaluated: 2017-09-15. Review status: criteria provided, single submitter. Criteria: Ambry Variant Classification Scheme 2023. Collection method: clinical testing. Allele origin: germline.
Comment: The c.710delG pathogenic mutation, located in coding exon 1 of the PRRT2 gene, results from a deletion of one nucleotide at nucleotide position 710, causing a translational frameshift with a predicted alternate stop codon (p.G237Dfs*7). This alteration is expected to result in loss of function by premature protein truncation or nonsense-mediated mRNA decay. As such, this alteration is interpreted as a disease-causing mutation.

NM_145239.3(PRRT2):c.710del (p.Gly237fs)

Genes: MVP-DT (MVP divergent transcript; minus strand), PRRT2 (proline rich transmembrane protein 2; plus strand). Cytogenetic location: 16p11.2.
Variant type: Deletion.
Coding change: c.710del on transcript NM_145239.3 (MANE Select); coding-DNA position 710, one base deleted (G; older notation c.710delG).
Protein change: p.Gly237fs; shifts the reading frame from glycine 237.
Molecular consequence: frameshift variant.
Genome position (GRCh38, 1-based): chr16:29,813,764, G deleted; the last of 2 consecutive G bases (chr16:29,813,763-29,813,764); deleting either gives the same sequence. VCF-style (leftmost placement, unchanged base first): chr16-29813762-AG-A. GRCh37 (hg19) VCF-style: chr16-29825083-AG-A.
Other names: c.710del, p.Gly237fs (NM_001256442.2, NM_001256443.2); short protein forms G237fs.
Identifiers: ClinVar variation 1757213 (VCV001757213.2), dbSNP rs2543335373, ClinGen allele CA2580091513.